The following is an entry in ClinVar:

ClinVar aggregate classification (germline): Likely pathogenic (1 of 4 stars; one submission).

Conditions:
Usher syndrome type 2C. Also called: Usher syndrome, type 2B; USHER SYNDROME, TYPE IIC. Identifiers: Orphanet 231178, Orphanet 886, MedGen C2931213, MONDO:0011558, OMIM 605472.
Febrile seizures, familial, 4 (FEB4). Also called: CONVULSIONS, FAMILIAL FEBRILE, 4. Identifiers: MedGen C1858493, MONDO:0011443, OMIM 604352.

Submission:

Juno Genomics, Hangzhou Juno Genomics, Inc
Classification: Likely pathogenic for Febrile seizures, familial, 4; Usher syndrome type 2C. Review status: criteria provided, single submitter. Criteria: ACMG Guidelines, 2015. Collection method: clinical testing. Allele origin: germline.
Comment: Null variant in a gene where loss of function (LOF) is a known mechanism of disease.;Absent from controls (or at extremely low frequency if recessive) in Genome Aggregation Database.

NM_032119.4(ADGRV1):c.3022+2_3022+16del

Gene: ADGRV1 (adhesion G protein-coupled receptor V1; plus strand). Cytogenetic location: 5q14.3.
Variant type: Deletion.
Coding change: c.3022+2_3022+16del on transcript NM_032119.4 (MANE Select); the canonical splice donor site of the intron after coding-DNA position 3022 through 16 bases into the intron after coding-DNA position 3022, 15 bases deleted (TGGTATTGCTGTCTT).
Molecular consequence: splice donor variant.
Genome position (GRCh38, 1-based): chr5:90,646,093-90,646,107, TGGTATTGCTGTCTT deleted. VCF-style (leftmost placement, unchanged base first): chr5-90646092-GTGGTATTGCTGTCTT-G. GRCh37 (hg19) VCF-style: chr5-89941909-GTGGTATTGCTGTCTT-G.
Identifiers: ClinVar variation 5006931 (VCV005006931.2).